The following is an entry in ClinVar:

NM_001040108.2(MLH3):c.3949C>T (p.Arg1317Trp)

Gene: MLH3 (mutL homolog 3; minus strand). Cytogenetic location: 14q24.3.
Variant type: single nucleotide variant.
Coding change: c.3949C>T on transcript NM_001040108.2 (MANE Select); coding-DNA position 3949, C replaced by T.
Protein change: p.Arg1317Trp; replaces arginine 1317 with tryptophan.
Molecular consequence: missense variant.
Genome position (GRCh38, 1-based): chr14:75,030,581, G>A on the plus strand (C>T on the coding strand, the complement: MLH3 is on the minus strand). VCF-style: chr14-75030581-G-A. GRCh37 (hg19) VCF-style: chr14-75497284-G-A.
Other names: c.3877C>T, p.Arg1293Trp (NM_014381.3); short protein forms R1293W, R1317W.
Identifiers: ClinVar variation 2497060 (VCV002497060.7), dbSNP rs1174331638, ClinGen allele CA390422570.

ClinVar aggregate classification (germline): Uncertain significance. Review status: criteria provided, multiple submitters, no conflicts (2 of 4 stars). 2 submissions from 2 submitters: Uncertain significance (2). Last evaluated 2025-09-01.

Conditions:
Colorectal cancer, hereditary nonpolyposis, type 7. Identifiers: Orphanet 144, MedGen C1858380, MONDO:0013725, OMIM 614385.

gnomAD v4.1: 10 of 1,614,052 alleles (0.00062%); highest among the groups gnomAD compares: Non-Finnish European, 0.00085%; no homozygotes.

Submissions (2):

Ambry Genetics
Classification: Uncertain significance. Last evaluated: 2025-09-01. Review status: criteria provided, single submitter. Criteria: Ambry Variant Classification Scheme 2023. Collection method: clinical testing. Allele origin: germline.

Labcorp Genetics (formerly Invitae), Labcorp
Classification: Uncertain significance for Colorectal cancer, hereditary nonpolyposis, type 7. Last evaluated: 2023-09-11. Review status: criteria provided, single submitter. Criteria: Invitae Variant Classification Sherloc (09022015). Collection method: clinical testing. Allele origin: germline.
Comment: In summary, the available evidence is currently insufficient to determine the role of this variant in disease. Therefore, it has been classified as a Variant of Uncertain Significance. An algorithm developed to predict the effect of missense changes on protein structure and function (PolyPhen-2) suggests that this variant is likely to be disruptive. This variant is present in population databases (no rsID available, gnomAD 0.007%). This sequence change replaces arginine, which is basic and polar, with tryptophan, which is neutral and slightly polar, at codon 1317 of the MLH3 protein (p.Arg1317Trp). This variant has not been reported in the literature in individuals affected with MLH3-related conditions. ClinVar contains an entry for this variant (Variation ID: 2497060).